The following is an entry in ClinVar:

NM_001931.5(DLAT):c.410T>G (p.Phe137Cys)

Gene: DLAT (dihydrolipoamide S-acetyltransferase; plus strand). Cytogenetic location: 11q23.1.
Variant type: single nucleotide variant.
Coding change: c.410T>G on transcript NM_001931.5 (MANE Select); coding-DNA position 410, T replaced by G.
Protein change: p.Phe137Cys; replaces phenylalanine 137 with cysteine.
Molecular consequence: missense variant. On other transcripts: 5 prime UTR variant (1), non-coding transcript variant (1), intron variant (2).
Genome position (GRCh38, 1-based): chr11:112,028,543, T>G. VCF-style: chr11-112028543-T-G. GRCh37 (hg19) VCF-style: chr11-111899267-T-G.
Other names: c.410T>G, p.Phe137Cys (NM_001372031.1, NM_001372032.1, NM_001372033.1 and 3 more transcripts); c.377T>G, p.Phe126Cys (NM_001372034.1); c.284T>G, p.Phe95Cys (NM_001372036.1); c.242T>G, p.Phe81Cys (NM_001372037.1); c.-57T>G (NM_001372042.1); c.381+2244T>G (NM_001372038.1); c.364+2261T>G (NM_001372040.1); short protein forms F137C, F126C, F95C, F81C.
Identifiers: ClinVar variation 418162 (VCV000418162.4), dbSNP rs138505899, ClinGen allele CA6276663.

ClinVar aggregate classification (germline): Uncertain significance (1 of 4 stars; one submission).

Allele frequency attached by ClinVar (database versions not stated): gnomAD 0.00001; ExAC 0.00002; TOPMed 0.00001; gnomAD exomes 0.00002 and 0.00003; ESP Exome Variant Server 0.00023.
gnomAD v4.1: 49 of 1,614,030 alleles (0.003%); highest among the groups gnomAD compares: Non-Finnish European, 0.0039%; no homozygotes.

Submission:

GeneDx
Classification: Uncertain significance. Last evaluated: 2025-11-12. Review status: criteria provided, single submitter. Criteria: GeneDx Variant Classification Process June 2021. Collection method: clinical testing. Allele origin: germline. Affected: yes.
Comment: Not observed at significant frequency in large population cohorts (gnomAD); In silico analysis supports that this missense variant has a deleterious effect on protein structure/function; Has not been previously published as pathogenic or benign to our knowledge